The following is an entry in ClinVar:

ClinVar aggregate classification (germline): Pathogenic. Review status: criteria provided, multiple submitters, no conflicts (2 of 4 stars). 4 submissions from 4 submitters: Pathogenic (2). 2 of the submissions do not count toward it. Last evaluated 2023-11-03.

Conditions:
Autosomal recessive Alport syndrome (ATS2). Also called: ALPORT SYNDROME 2, AUTOSOMAL RECESSIVE; Alport syndrome type 2; COL4A3-Related Nephropathy; COL4A4 Alport Syndrome and Thin Basement Membrane Nephropathy. Identifiers: Orphanet 63, Orphanet 88919, MedGen C4746745, MONDO:0008762, OMIM 203780.

Submissions (4):

Labcorp Genetics (formerly Invitae), Labcorp
Classification: Pathogenic. Last evaluated: 2023-11-03. Review status: criteria provided, single submitter. Criteria: Invitae Variant Classification Sherloc (09022015). Collection method: clinical testing. Allele origin: germline.
Comment: This sequence change creates a premature translational stop signal (p.Leu1474Cysfs*34) in the COL4A3 gene. It is expected to result in an absent or disrupted protein product. Loss-of-function variants in COL4A3 are known to be pathogenic (PMID: 8956999, 24854265, 26809805, 27281700). This variant is not present in population databases (gnomAD no frequency). This premature translational stop signal has been observed in individual(s) with autosomal dominant and autosomal recessive Alport syndrome (PMID: 7987301, 7987396). This variant is also known as a 5bp CTTTT deletion. ClinVar contains an entry for this variant (Variation ID: 556032). For these reasons, this variant has been classified as Pathogenic.

Women's Health and Genetics/Laboratory Corporation of America, LabCorp
Classification: Pathogenic for Alport syndrome autosomal recessive. Last evaluated: 2020-10-12. Review status: criteria provided, single submitter. Criteria: LabCorp Variant Classification Summary - May 2015. Collection method: clinical testing. Allele origin: germline.
Comment: Variant summary: COL4A3 c.4420_4424delCTTTT (p.Leu1474CysfsX34) results in a premature termination codon, predicted to cause a truncation of the encoded protein or absence of the protein due to nonsense mediated decay, which are commonly known mechanisms for disease. The variant was absent in 249424 control chromosomes (gnomAD). c.4420_4424delCTTTT has been reported in the literature in individuals affected with Alport Syndrome, Autosomal Recessive (Mochizuki_1994, Moriniere_2014). These data indicate that the variant is likely to be associated with disease. To our knowledge, no experimental evidence demonstrating an impact on protein function has been reported. One ClinVar submitter (evaluation after 2014) cite the variant as pathogenic. Based on the evidence outlined above, the variant was classified as pathogenic.

Counsyl
Classification: Pathogenic for Autosomal recessive Alport syndrome. Last evaluated: 2018-01-09. Review status: no assertion criteria provided. Collection method: clinical testing. Allele origin: unknown. Not counted in ClinVar's aggregate classification.

OMIM
Classification: Pathogenic for ALPORT SYNDROME 2, AUTOSOMAL RECESSIVE. Last evaluated: 1997-01-01. Review status: no assertion criteria provided. Collection method: literature only. Allele origin: germline. Not counted in ClinVar's aggregate classification.

Literature cited by the submitters: PubMed 8956999 (cited by Labcorp Genetics (formerly Invitae), Labcorp); PubMed 24854265 (cited by Labcorp Genetics (formerly Invitae), Labcorp and Women's Health and Genetics/Laboratory Corporation of America, LabCorp); PubMed 26809805 (cited by Labcorp Genetics (formerly Invitae), Labcorp); PubMed 27281700 (cited by Labcorp Genetics (formerly Invitae), Labcorp); PubMed 7987301 (cited by 3 submitters); PubMed 7987396 (cited by 4 submitters); PubMed 9195222 (cited by OMIM).

NM_000091.5(COL4A3):c.4420_4424del (p.Leu1474fs)

Genes: COL4A3 (collagen type IV alpha 3 chain; plus strand), MFF-DT (MFF divergent transcript; minus strand). Cytogenetic location: 2q36.3.
Variant type: Microsatellite.
Coding change: c.4420_4424del on transcript NM_000091.5 (MANE Select); coding-DNA positions 4420 to 4424, 5 bases deleted (CTTTT; older notation c.4420_4424delCTTTT).
Protein change: p.Leu1474fs; shifts the reading frame from leucine 1474.
Molecular consequence: frameshift variant.
Genome position (GRCh38, 1-based): chr2:227,307,877-227,307,881, CTTTT deleted; deleting any 5 consecutive bases within chr2:227,307,868-227,307,881 gives the same sequence; the c. name uses the placement nearest the transcript's 3' end. VCF-style (leftmost placement, unchanged base first): chr2-227307867-GTTTTC-G. GRCh37 (hg19) VCF-style: chr2-228172583-GTTTTC-G.
Other names: c.4420_4424del5 (NM_000091.4); c.4420_4424delCTTTT (NM_000091.4); c.4415_4419CTTTT[1], p.Leu1474Cysfs (NM_000091.4); short protein forms L1474fs.
Identifiers: ClinVar variation 556032 (VCV000556032.13), dbSNP rs1445615417, ClinGen allele CA658821651.